The following is an entry in ClinVar:

NM_004446.3(EPRS1):c.3012A>G (p.Glu1004=)

Gene: EPRS1 (glutamyl-prolyl-tRNA synthetase 1; minus strand). Cytogenetic location: 1q41.
Variant type: single nucleotide variant.
Coding change: c.3012A>G on transcript NM_004446.3 (MANE Select); coding-DNA position 3012, A replaced by G.
Protein change: p.Glu1004=; no amino-acid change (glutamic acid 1004 retained).
Molecular consequence: synonymous variant.
Genome position (GRCh38, 1-based): chr1:219,987,168, T>C on the plus strand (A>G on the coding strand, the complement: EPRS1 is on the minus strand). VCF-style: chr1-219987168-T-C. GRCh37 (hg19) VCF-style: chr1-220160510-T-C.
Identifiers: ClinVar variation 4992666 (VCV004992666.1).

ClinVar aggregate classification (germline): Uncertain significance (1 of 4 stars; one submission).

Conditions:
EPRS1-related disorder. Also called: EPRS1-related condition.

Submission:

PreventionGenetics, part of Exact Sciences
Classification: Uncertain significance for EPRS1-related condition. Last evaluated: 2025-11-26. Review status: criteria provided, single submitter. Criteria: ACMG Guidelines, 2015. Collection method: clinical testing. Allele origin: germline.
Comment: The EPRS1 c.3012A>G variant is not predicted to result in an amino acid change (p.=). This variant is predicted to alter splicing based on available splicing prediction programs (SpliceAI, Jaganathan et al. 2019. PubMed ID: 30661751). To our knowledge, this variant has not been reported in the literature or in a large population database (gnomAD), indicating this variant is rare. At this time, the clinical significance of this variant is uncertain due to the absence of conclusive functional and genetic evidence.